The following is an entry in ClinVar:

ClinVar aggregate classification (germline): Uncertain significance (1 of 4 stars; one submission).

Conditions:
Transcobalamin II deficiency (TCN2D). Also called: Transcolabamin II deficiency; TC II DEFICIENCY; TCN2 DEFICIENCY. Identifiers: Orphanet 859, MedGen C0342701, MONDO:0010149, OMIM 275350.

Submission:

Labcorp Genetics (formerly Invitae), Labcorp
Classification: Uncertain significance for Transcobalamin II deficiency. Last evaluated: 2025-11-23. Review status: criteria provided, single submitter. Criteria: Invitae Variant Classification Sherloc (09022015). Collection method: clinical testing. Allele origin: germline.
Comment: This sequence change replaces tryptophan, which is neutral and slightly polar, with leucine, which is neutral and non-polar, at codon 427 of the TCN2 protein (p.Trp427Leu). This variant is present in population databases (rs367829511, gnomAD 0.01%). This variant has not been reported in the literature in individuals affected with TCN2-related conditions. An algorithm developed to predict the effect of missense changes on protein structure and function (PolyPhen-2) suggests that this variant is likely to be disruptive. In summary, the available evidence is currently insufficient to determine the role of this variant in disease. Therefore, it has been classified as a Variant of Uncertain Significance.

NM_000355.4(TCN2):c.1280G>T (p.Trp427Leu)

Gene: TCN2 (transcobalamin 2; plus strand). Cytogenetic location: 22q12.2.
Variant type: single nucleotide variant.
Coding change: c.1280G>T on transcript NM_000355.4 (MANE Select); coding-DNA position 1280, G replaced by T.
Protein change: p.Trp427Leu; replaces tryptophan 427 with leucine.
Molecular consequence: missense variant.
Genome position (GRCh38, 1-based): chr22:30,626,517, G>T. VCF-style: chr22-30626517-G-T. GRCh37 (hg19) VCF-style: chr22-31022504-G-T.
Other names: c.1199G>T, p.Trp400Leu (NM_001184726.2); short protein forms W427L, W400L.
Identifiers: ClinVar variation 4743483 (VCV004743483.1).